The following is an entry in ClinVar:

NM_003073.5(SMARCB1):c.569G>A (p.Arg190Gln)

Gene: SMARCB1 (SWI/SNF related BAF chromatin remodeling complex subunit B1; plus strand). Cytogenetic location: 22q11.23.
Variant type: single nucleotide variant.
Coding change: c.569G>A on transcript NM_003073.5 (MANE Select); coding-DNA position 569, G replaced by A.
Protein change: p.Arg190Gln; replaces arginine 190 with glutamine.
Molecular consequence: missense variant.
Genome position (GRCh38, 1-based): chr22:23,803,363, G>A. VCF-style: chr22-23803363-G-A. GRCh37 (hg19) VCF-style: chr22-24145550-G-A.
Other names: c.542G>A, p.Arg181Gln (NM_001007468.3); c.596G>A, p.Arg199Gln (NM_001317946.2); c.623G>A, p.Arg208Gln (NM_001362877.2); short protein forms R181Q, R190Q, R199Q, R208Q.
Identifiers: ClinVar variation 3764163 (VCV003764163.2).

ClinVar aggregate classification (germline): Pathogenic (1 of 4 stars; one submission).

Submission:

GeneDx
Classification: Pathogenic. Last evaluated: 2026-03-05. Review status: criteria provided, single submitter. Criteria: GeneDx Variant Classification Process June 2021. Collection method: clinical testing. Allele origin: germline.
Comment: Not observed at significant frequency in large population cohorts (gnomAD); In silico analysis supports that this missense variant has a deleterious effect on protein structure/function; Has not been previously published as pathogenic or benign to our knowledge; This variant is associated with the following publications: (PMID: 26073604)